The following is an entry in ClinVar:

NM_014704.4(CEP104):c.626A>G (p.Glu209Gly)

Gene: CEP104 (centrosomal protein 104; minus strand). Cytogenetic location: 1p36.32.
Variant type: single nucleotide variant.
Coding change: c.626A>G on transcript NM_014704.4 (MANE Select); coding-DNA position 626, A replaced by G.
Protein change: p.Glu209Gly; replaces glutamic acid 209 with glycine.
Molecular consequence: missense variant.
Genome position (GRCh38, 1-based): chr1:3,839,717, T>C on the plus strand (A>G on the coding strand, the complement: CEP104 is on the minus strand). VCF-style: chr1-3839717-T-C. GRCh37 (hg19) VCF-style: chr1-3756281-T-C.
Other names: short protein forms E209G.
Identifiers: ClinVar variation 798189 (VCV000798189.15), dbSNP rs140029326, ClinGen allele CA551863.

ClinVar aggregate classification (germline): Conflicting classifications of pathogenicity. Review status: criteria provided, conflicting classifications (1 of 4 stars). 5 submissions from 5 submitters: Uncertain significance (2); Likely benign (3). Last evaluated 2026-01-24.

Conditions:
Joubert syndrome 25 (JBTS25). Identifiers: Orphanet 475, MedGen C4084842, MONDO:0014770, OMIM 616781.
CEP104-related disorder. Also called: CEP104-related condition.

Allele frequency attached by ClinVar (database versions not stated): 1000 Genomes Project 30x 0.00016; 1000 Genomes Project 0.00020; ExAC 0.00026; gnomAD 0.00026 and 0.00028; gnomAD exomes 0.00028 and 0.00030; TOPMed 0.00028; ESP Exome Variant Server 0.00031.
gnomAD v4.1: 496 of 1,614,140 alleles (0.031%); highest among the groups gnomAD compares: Middle Eastern, 0.099%; no homozygotes.

Submissions (5):

Labcorp Genetics (formerly Invitae), Labcorp
Classification: Likely benign for Joubert syndrome 25. Last evaluated: 2026-01-24. Review status: criteria provided, single submitter. Criteria: Invitae Variant Classification Sherloc (09022015). Collection method: clinical testing. Allele origin: germline.

PreventionGenetics, part of Exact Sciences
Classification: Likely benign for CEP104-related condition. Last evaluated: 2025-03-04. Review status: criteria provided, single submitter. Criteria: ACMG Guidelines, 2015. Collection method: clinical testing. Allele origin: germline.
Comment: This variant is classified as likely benign based on ACMG/AMP sequence variant interpretation guidelines (Richards et al. 2015 PMID: 25741868, with internal and published modifications).

Women's Health and Genetics/Laboratory Corporation of America, LabCorp
Classification: Uncertain significance. Last evaluated: 2025-01-23. Review status: criteria provided, single submitter. Criteria: LabCorp Variant Classification Summary - May 2015. Collection method: clinical testing. Allele origin: germline.
Comment: Variant summary: CEP104 c.626A>G (p.Glu209Gly) results in a non-conservative amino acid change in the encoded protein sequence. Four of five in-silico tools predict a damaging effect of the variant on protein function. The variant allele was found at a frequency of 0.00028 in 251364 control chromosomes. This frequency is not significantly higher than estimated for a pathogenic variant in CEP104 causing Joubert Syndrome And Related Disorders (0.00028 vs 0.0004), allowing no conclusion about variant significance. To our knowledge, no occurrence of c.626A>G in individuals affected with Joubert Syndrome And Related Disorders and no experimental evidence demonstrating its impact on protein function have been reported. ClinVar contains an entry for this variant (Variation ID: 798189). Based on the evidence outlined above, the variant was classified as uncertain significance.

Blueprint Genetics
Classification: Likely benign. Last evaluated: 2024-11-25. Review status: criteria provided, single submitter. Criteria: ACMG Guidelines, 2015. Collection method: clinical testing. Allele origin: germline.

Revvity Omics, Revvity
Classification: Uncertain significance. Last evaluated: 2021-08-04. Review status: criteria provided, single submitter. Criteria: ACMG Guidelines, 2015. Collection method: clinical testing. Allele origin: germline.